The following is an entry in ClinVar:

ClinVar aggregate classification (germline): Uncertain significance (1 of 4 stars; one submission).

Conditions:
Inborn genetic diseases. Identifiers: MedGen C0950123, MeSH D030342.

gnomAD v4.1: 7 of 1,610,612 alleles (0.00043%); highest among the groups gnomAD compares: Non-Finnish European, 0.00025%; no homozygotes.

Submission:

Ambry Genetics
Classification: Uncertain significance for Inborn genetic diseases. Last evaluated: 2025-07-09. Review status: criteria provided, single submitter. Criteria: Ambry Variant Classification Scheme 2023. Collection method: clinical testing. Allele origin: germline.
Comment: The p.P152L variant (also known as c.455C>T), located in coding exon 2 of the KDM1A gene, results from a C to T substitution at nucleotide position 455. The proline at codon 152 is replaced by leucine, an amino acid with similar properties. This amino acid position is conserved. In addition, this alteration is predicted to be tolerated by in silico analysis. Based on the available evidence, the clinical significance of this variant remains unclear.

NM_001009999.3(KDM1A):c.455C>T (p.Pro152Leu)

Gene: KDM1A (lysine demethylase 1A; plus strand). Cytogenetic location: 1p36.12.
Variant type: single nucleotide variant.
Coding change: c.455C>T on transcript NM_001009999.3 (MANE Select); coding-DNA position 455, C replaced by T.
Protein change: p.Pro152Leu; replaces proline 152 with leucine.
Molecular consequence: missense variant.
Genome position (GRCh38, 1-based): chr1:23,030,572, C>T. VCF-style: chr1-23030572-C-T. GRCh37 (hg19) VCF-style: chr1-23357065-C-T.
Other names: c.455C>T, p.Pro152Leu (NM_001363654.2, NM_001410762.1, NM_001410763.1 and 1 more transcripts); short protein forms P152L.
Identifiers: ClinVar variation 4091048 (VCV004091048.1).